The following is an entry in ClinVar:

ClinVar aggregate classification (germline): Likely pathogenic (1 of 4 stars; one submission).

Submission:

GeneDx
Classification: Likely pathogenic. Last evaluated: 2016-09-15. Review status: criteria provided, single submitter. Criteria: GeneDx Variant Classification (06012015). Collection method: clinical testing. Allele origin: germline. Affected: yes.
Comment: A novel c.527_528delAG variant was identified in the JAK3 gene. It has not been published as a pathogenic variant, nor has it been reported as a benign variant to our knowledge. The c.527_528delAG variant causes a frameshift starting with codon Glutamic acid 176, changes this amino acid to an Alanine residue and creates a premature Stop codon at position 100 of the new reading frame, denoted p.Glu176AlafsX100. This variant is predicted to cause loss of normal protein function either through protein truncation or nonsense-mediated mRNA decay. Additionally, the variant was not observed in approximately 6,500 individuals of European and African American ancestry in the NHLBI Exome Sequencing Project, indicating it is not a common benign variant in these populations. Therefore, this variant is likely pathogenic.

NM_000215.4(JAK3):c.527_528del (p.Glu176fs)

Gene: JAK3 (Janus kinase 3; minus strand). Cytogenetic location: 19p13.11.
Variant type: Microsatellite.
Coding change: c.527_528del on transcript NM_000215.4 (MANE Select); coding-DNA positions 527 to 528, 2 bases deleted (AG; older notation c.527_528delAG).
Protein change: p.Glu176fs; shifts the reading frame from glutamic acid 176.
Molecular consequence: frameshift variant.
Genome position (GRCh38, 1-based): chr19:17,843,065-17,843,066, CT deleted on the plus strand (AG on the coding strand, the reverse complement: JAK3 is on the minus strand); deleting any 2 consecutive bases within chr19:17,843,065-17,843,069 gives the same sequence; the c. name uses the placement nearest the transcript's 3' end. VCF-style (leftmost placement, unchanged base first): chr19-17843064-GCT-G. GRCh37 (hg19) VCF-style: chr19-17953873-GCT-G.
Other names: c.527_528delAG (NM_000215.3); short protein forms E176fs.
Identifiers: ClinVar variation 422247 (VCV000422247.2), dbSNP rs1064795657, ClinGen allele CA16620808.